The following is an entry in ClinVar:

NM_000051.4(ATM):c.1488T>C (p.Ser496=)

Gene: ATM (ATM serine/threonine kinase; plus strand). Cytogenetic location: 11q22.3.
Variant type: single nucleotide variant.
Coding change: c.1488T>C on transcript NM_000051.4 (MANE Select); coding-DNA position 1488, T replaced by C.
Protein change: p.Ser496=; no amino-acid change (serine 496 retained).
Molecular consequence: synonymous variant.
Genome position (GRCh38, 1-based): chr11:108,250,953, T>C. VCF-style: chr11-108250953-T-C. GRCh37 (hg19) VCF-style: chr11-108121680-T-C.
Other names: c.1488T>C, p.Ser496= (NM_001351834.2).
Identifiers: ClinVar variation 2831828 (VCV002831828.4), dbSNP rs1800737, ClinGen allele CA228391074.

ClinVar aggregate classification (germline): Benign/Likely benign. Review status: criteria provided, multiple submitters, no conflicts (2 of 4 stars). 2 submissions from 2 submitters: Benign (1); Likely benign (1). Last evaluated 2024-04-29.

Conditions:
Familial cancer of breast. Also called: BREAST CANCER, FAMILIAL; Hereditary breast cancer; hereditary breast carcinoma. Identifiers: Orphanet 227535, MedGen C0346153, MONDO:0016419, OMIM 114480. Disease mechanism: loss of function.
Ataxia-telangiectasia syndrome (AT). Also called: LOUIS-BAR SYNDROME; Ataxia-telangiectasia, complementation group D; ATAXIA-TELANGIECTASIA, COMPLEMENTATION GROUP A; ATAXIA-TELANGIECTASIA, FRESNO VARIANT; Ataxia-telangiectasia; Ataxia telangiectasia (A-T). Identifiers: Orphanet 100, MedGen C0004135, MONDO:0008840, OMIM 208900.

Submissions (2):

Myriad Genetics, Inc.
Classification: Benign for Familial cancer of breast. Last evaluated: 2024-04-29. Review status: criteria provided, single submitter. Criteria: Myriad Autosomal Dominant, Autosomal Recessive and X-Linked Classification Criteria (2023). Collection method: clinical testing. Allele origin: unknown.
Comment: This variant is considered benign. This variant is a silent/synonymous amino acid change and it is not expected to impact splicing.

Labcorp Genetics (formerly Invitae), Labcorp
Classification: Likely benign for Ataxia-telangiectasia syndrome. Last evaluated: 2023-01-25. Review status: criteria provided, single submitter. Criteria: Invitae Variant Classification Sherloc (09022015). Collection method: clinical testing. Allele origin: germline.